The following is an entry in ClinVar:

NM_000492.4(CFTR):c.4207A>G (p.Arg1403Gly)

Gene: CFTR (CF transmembrane conductance regulator; plus strand). Cytogenetic location: 7q31.2.
Variant type: single nucleotide variant.
Coding change: c.4207A>G on transcript NM_000492.4 (MANE Select); coding-DNA position 4207, A replaced by G.
Protein change: p.Arg1403Gly; replaces arginine 1403 with glycine.
Molecular consequence: missense variant.
Genome position (GRCh38, 1-based): chr7:117,665,529, A>G. VCF-style: chr7-117665529-A-G. GRCh37 (hg19) VCF-style: chr7-117305583-A-G.
Other names: short protein forms R1403G.
Identifiers: ClinVar variation 555899 (VCV000555899.12), dbSNP rs970498675, ClinGen allele CA368983688.

ClinVar aggregate classification (germline): Uncertain significance. Review status: criteria provided, multiple submitters, no conflicts (2 of 4 stars). 5 submissions from 5 submitters: Uncertain significance (3). 2 of the submissions do not count toward it. Last evaluated 2025-10-06.

Conditions:
Cystic fibrosis (CF). Also called: MUCOVISCIDOSIS. Identifiers: Orphanet 586, MedGen C0010674, MONDO:0009061, OMIM 219700. Disease mechanism: loss of function.
CFTR-related disorder (CFTR-RD). Also called: CFTR-related disorders; CFTR-related condition. Identifiers: MedGen C5924204, MONDO:7770004.

Allele frequency attached by ClinVar (database versions not stated): gnomAD 0.00001; gnomAD exomes below 0.00001.
gnomAD v4.1: 4 of 1,613,052 alleles (0.00025%); highest among the groups gnomAD compares: Admixed American, 0.0067%; no homozygotes.

Submissions (5):

Women's Health and Genetics/Laboratory Corporation of America, LabCorp
Classification: Uncertain significance. Last evaluated: 2025-10-06. Review status: criteria provided, single submitter. Criteria: LabCorp Variant Classification Summary - May 2015. Collection method: clinical testing. Allele origin: germline.
Comment: Variant summary: CFTR c.4207A>G (p.Arg1403Gly) results in a non-conservative amino acid change in the encoded protein sequence. Algorithms developed to predict the effect of missense changes on protein structure and function all suggest that this variant is likely to be disruptive. The variant allele was found at a frequency of 4e-06 in 250732 control chromosomes. The available data on variant occurrences in the general population are insufficient to allow any conclusion about variant significance. c.4207A>G has been observed in at least one individual affected with Cystic Fibrosis (El-Seedy_2016). This report does not provide unequivocal conclusions about association of the variant with Cystic Fibrosis. The following publication has been ascertained in the context of this evaluation (PMID: 28040058). To our knowledge, no experimental evidence demonstrating an impact on protein function has been reported. The following publication has been ascertained in the context of this evaluation (PMID: 28040058). ClinVar contains an entry for this variant (Variation ID: 555899). Based on the evidence outlined above, the variant was classified as uncertain significance.

Labcorp Genetics (formerly Invitae), Labcorp
Classification: Uncertain significance for Cystic fibrosis. Last evaluated: 2022-06-20. Review status: criteria provided, single submitter. Criteria: Invitae Variant Classification Sherloc (09022015). Collection method: clinical testing. Allele origin: germline.
Comment: This sequence change replaces arginine, which is basic and polar, with glycine, which is neutral and non-polar, at codon 1403 of the CFTR protein (p.Arg1403Gly). This variant is present in population databases (no rsID available, gnomAD 0.003%). This missense change has been observed in individual(s) with CFTR-related conditions (PMID: 28040058). ClinVar contains an entry for this variant (Variation ID: 555899). Algorithms developed to predict the effect of missense changes on protein structure and function are either unavailable or do not agree on the potential impact of this missense change (SIFT: "Deleterious"; PolyPhen-2: "Benign"; Align-GVGD: "Class C45"). In summary, the available evidence is currently insufficient to determine the role of this variant in disease. Therefore, it has been classified as a Variant of Uncertain Significance.

Genome-Nilou Lab
Classification: Uncertain significance for Cystic fibrosis. Last evaluated: 2021-09-05. Review status: criteria provided, single submitter. Criteria: ACMG Guidelines, 2015. Collection method: clinical testing. Allele origin: germline. Affected: no.

Natera, Inc.
Classification: Uncertain significance for CFTR-related disorders. Last evaluated: 2018-12-26. Review status: no assertion criteria provided. Collection method: clinical testing. Allele origin: germline. Not counted in ClinVar's aggregate classification.

Counsyl
Classification: Uncertain significance for Cystic fibrosis. Last evaluated: 2018-01-02. Review status: no assertion criteria provided. Collection method: clinical testing. Allele origin: unknown. Not counted in ClinVar's aggregate classification.

Literature cited by the submitters: PubMed 28040058 (cited by Women's Health and Genetics/Laboratory Corporation of America, LabCorp and Labcorp Genetics (formerly Invitae), Labcorp); PubMed 28408918 (cited by Counsyl).